The following is an entry in ClinVar:

NM_015045.5(WAPL):c.3127C>T (p.Arg1043Ter)

Gene: WAPL (WAPL cohesin release factor; minus strand). Cytogenetic location: 10q23.2.
Variant type: single nucleotide variant.
Coding change: c.3127C>T on transcript NM_015045.5 (MANE Select); coding-DNA position 3127, C replaced by T.
Protein change: p.Arg1043Ter; replaces arginine 1043 with a stop codon.
Molecular consequence: nonsense.
Genome position (GRCh38, 1-based): chr10:86,446,437, G>A on the plus strand (C>T on the coding strand, the complement: WAPL is on the minus strand). VCF-style: chr10-86446437-G-A. GRCh37 (hg19) VCF-style: chr10-88206194-G-A.
Other names: c.3109C>T, p.Arg1037Ter (NM_001318328.2); short protein forms R1037*, R1043*.
Identifiers: ClinVar variation 4891353 (VCV004891353.1).
Genomic context (GRCh38, chr10:86,446,437, plus strand): 5'-TGGGAGCATCTTTGATCAACTCATCTGTTTTACTTTCTGCTAGCTGGGCTGCCCGCTCTC[G>A]CTCAAGGAATAGCTGATAAAAATTATTTTTGAAGATCATTAAAAAGAGATTGCCAATCAA-3'

ClinVar aggregate classification (germline): Uncertain significance (1 of 4 stars; one submission).

Submission:

GeneDx
Classification: Uncertain significance. Last evaluated: 2023-04-14. Review status: criteria provided, single submitter. Criteria: GeneDx Variant Classification Process June 2021. Collection method: clinical testing. Allele origin: germline.
Comment: Not observed at significant frequency in large population cohorts (gnomAD); Nonsense variant predicted to result in protein truncation or nonsense mediated decay in a gene or region of a gene for which loss of function is not a well-established mechanism of disease; Has not been previously published as pathogenic or benign to our knowledge; Variants in candidate genes are classified as variants of uncertain significance in accordance with ACMG guidelines (Richards et al., 2015)